The following is an entry in ClinVar:

NM_024334.3(TMEM43):c.667G>T (p.Asp223Tyr)

Gene: TMEM43 (transmembrane protein 43; plus strand). Cytogenetic location: 3p25.1.
Variant type: single nucleotide variant.
Coding change: c.667G>T on transcript NM_024334.3 (MANE Select); coding-DNA position 667, G replaced by T.
Protein change: p.Asp223Tyr; replaces aspartic acid 223 with tyrosine.
Molecular consequence: missense variant.
Genome position (GRCh38, 1-based): chr3:14,134,853, G>T. VCF-style: chr3-14134853-G-T. GRCh37 (hg19) VCF-style: chr3-14176353-G-T.
Other names: c.670G>T, p.Asp224Tyr (NM_001407274.1); c.667G>T, p.Asp223Tyr (NM_001407275.1, NM_001407276.1, NM_001407277.1 and 1 more transcripts); c.652G>T, p.Asp218Tyr (NM_001407278.1); c.517G>T, p.Asp173Tyr (NM_001407280.1); short protein forms D218Y, D223Y, D173Y, D224Y.
Identifiers: ClinVar variation 2811033 (VCV002811033.3), dbSNP rs1424410196, ClinGen allele CA351535594.

ClinVar aggregate classification (germline): Uncertain significance (1 of 4 stars; one submission).

Conditions:
Arrhythmogenic right ventricular dysplasia 5. Also called: Arrhythmogenic Right Ventricular Dysplasia/Cardiomyopathy 5; ARRHYTHMOGENIC RIGHT VENTRICULAR DYSPLASIA, FAMILIAL, 5. Identifiers: MedGen C1858379, MONDO:0011459, OMIM 604400.

Submission:

Labcorp Genetics (formerly Invitae), Labcorp
Classification: Uncertain significance for Arrhythmogenic right ventricular dysplasia 5. Last evaluated: 2022-10-31. Review status: criteria provided, single submitter. Criteria: Invitae Variant Classification Sherloc (09022015). Collection method: clinical testing. Allele origin: germline.
Comment: In summary, the available evidence is currently insufficient to determine the role of this variant in disease. Therefore, it has been classified as a Variant of Uncertain Significance. Advanced modeling of protein sequence and biophysical properties (such as structural, functional, and spatial information, amino acid conservation, physicochemical variation, residue mobility, and thermodynamic stability) performed at Invitae indicates that this missense variant is expected to disrupt TMEM43 protein function. This variant has not been reported in the literature in individuals affected with TMEM43-related conditions. This variant is not present in population databases (gnomAD no frequency). This sequence change replaces aspartic acid, which is acidic and polar, with tyrosine, which is neutral and polar, at codon 223 of the TMEM43 protein (p.Asp223Tyr).